The following is an entry in ClinVar:

NM_001393704.1(MOBP):c.240C>G (p.Pro80=)

Gene: MOBP (myelin associated oligodendrocyte basic protein; plus strand). Cytogenetic location: 3p22.1.
Variant type: single nucleotide variant.
Coding change: c.240C>G on transcript NM_001393704.1 (MANE Select); coding-DNA position 240, C replaced by G.
Protein change: p.Pro80=; no amino-acid change (proline 80 retained).
Molecular consequence: synonymous variant. On other transcripts: non-coding transcript variant (2), intron variant (1).
Genome position (GRCh38, 1-based): chr3:39,502,568, C>G. VCF-style: chr3-39502568-C-G. GRCh37 (hg19) VCF-style: chr3-39544059-C-G.
Other names: c.312C>G, p.Pro104= (NM_001278322.2); c.240C>G, p.Pro80= (NM_001278323.2); c.206+293C>G (NM_182935.4).
Identifiers: ClinVar variation 3356319 (VCV003356319.1).
Genomic context (GRCh38, chr3:39,502,568, plus strand): 5'-GCCTCCAGCTTCTTTTGGCCCTCTCAGAACCAGCCGCCGTGCCAAGTCCCCTCAGAGGCC[C>G]AAGCAACAGCCAGCTGCGCCCCCCGCGGTGGTCAGAGCGCCAGCCAAGCCACGGTCCCCT-3'
Protein context (NP_001380633.1, residues 70-90): TSRRAKSPQR[Pro80=]KQQPAAPPAV

ClinVar aggregate classification (germline): Likely benign (0 of 4 stars; one submission).

Conditions:
MOBP-related disorder. Also called: MOBP-related condition.

gnomAD v4.1: 10 of 1,580,364 alleles (0.00063%); highest among the groups gnomAD compares: Non-Finnish European, 0.00085%; no homozygotes.

Submission:

PreventionGenetics, part of Exact Sciences
Classification: Likely benign for MOBP-related condition. Last evaluated: 2022-12-22. Review status: no assertion criteria provided. Collection method: clinical testing. Allele origin: germline.
Comment: This variant is classified as likely benign based on ACMG/AMP sequence variant interpretation guidelines (Richards et al. 2015 PMID: 25741868, with internal and published modifications).